The following is an entry in ClinVar:

NM_015450.3(POT1):c.1561A>G (p.Lys521Glu)

Gene: POT1 (protection of telomeres 1; minus strand). Cytogenetic location: 7q31.33.
Variant type: single nucleotide variant.
Coding change: c.1561A>G on transcript NM_015450.3 (MANE Select); coding-DNA position 1561, A replaced by G.
Protein change: p.Lys521Glu; replaces lysine 521 with glutamic acid.
Molecular consequence: missense variant. On other transcripts: non-coding transcript variant (2).
Genome position (GRCh38, 1-based): chr7:124,829,287, T>C on the plus strand (A>G on the coding strand, the complement: POT1 is on the minus strand). VCF-style: chr7-124829287-T-C. GRCh37 (hg19) VCF-style: chr7-124469341-T-C.
Other names: c.1168A>G, p.Lys390Glu (NM_001042594.2); short protein forms K521E, K390E.
Identifiers: ClinVar variation 3936293 (VCV003936293.1).

ClinVar aggregate classification (germline): Uncertain significance (1 of 4 stars; one submission).

Conditions:
Hereditary cancer-predisposing syndrome. Also called: Tumor predisposition; Hereditary neoplastic syndrome; Hereditary Cancer Syndrome; Neoplastic Syndromes, Hereditary. Identifiers: Orphanet 140162, MedGen C0027672, MeSH D009386, MONDO:0015356.

Submission:

Ambry Genetics
Classification: Uncertain significance for Hereditary cancer-predisposing syndrome. Last evaluated: 2025-05-02. Review status: criteria provided, single submitter. Criteria: Ambry Variant Classification Scheme 2023. Collection method: clinical testing. Allele origin: germline.
Comment: The p.K521E variant (also known as c.1561A>G), located in coding exon 12 of the POT1 gene, results from an A to G substitution at nucleotide position 1561. The lysine at codon 521 is replaced by glutamic acid, an amino acid with similar properties. This amino acid position is conserved. In addition, this alteration is predicted to be tolerated by in silico analysis. Based on the available evidence, the clinical significance of this variant remains unclear.